The following is an entry in ClinVar:

NM_019616.4(F7):c.-27C>T

Gene: F7 (coagulation factor VII; plus strand). Cytogenetic location: 13q34.
Variant type: single nucleotide variant.
Coding change: c.-27C>T on transcript NM_019616.4 (MANE Select); 27 bases upstream of the start codon, C replaced by T.
Molecular consequence: 5 prime UTR variant. On other transcripts: non-coding transcript variant (1).
Genome position (GRCh38, 1-based): chr13:113,105,815, C>T. VCF-style: chr13-113105815-C-T. GRCh37 (hg19) VCF-style: chr13-113760129-C-T.
Other names: c.-27C>T (NM_000131.5, NM_001267554.2).
Identifiers: ClinVar variation 311218 (VCV000311218.6), dbSNP rs886049985, ClinGen allele CA10639045.

ClinVar aggregate classification (germline): Uncertain significance. Review status: criteria provided, multiple submitters, no conflicts (2 of 4 stars). 2 submissions from 2 submitters: Uncertain significance (2). Last evaluated 2020-01-01.

Conditions:
Congenital factor VII deficiency. Identifiers: Orphanet 327, MedGen C0272320, MONDO:0009211, OMIM 227500.
Factor VII deficiency. Also called: Factor 7 deficiency; F7 DEFICIENCY; HYPOPROCONVERTINEMIA. Identifiers: MedGen C0015503, MeSH D005168, MONDO:0002244.

Allele frequency attached by ClinVar (database versions not stated): gnomAD exomes 0.00002 and 0.00008; TOPMed 0.00002; gnomAD 0.00003.

Submissions (2):

ISTH-SSC Genomics in Thrombosis and Hemostasis, KU Leuven, Center for Molecular and Vascular Biology
Classification: Uncertain significance for Congenital factor VII deficiency. Last evaluated: 2020-01-01. Review status: criteria provided, single submitter. Criteria: ACMG Guidelines, 2015. Collection method: clinical testing. Allele origin: unknown. Affected: yes.
Comment: Submitted to GoldVariant by Kathleen Freson, Center for Molecular and Vascular Biology, Leuven, Belgium

Illumina Laboratory Services, Illumina
Classification: Uncertain significance for Congenital factor VII deficiency. Last evaluated: 2018-01-13. Review status: criteria provided, single submitter. Criteria: ICSL Variant Classification Criteria 13 December 2019. Collection method: clinical testing. Allele origin: germline.

Literature cited by the submitters: PubMed 34355501 (cited by ISTH-SSC Genomics in Thrombosis and Hemostasis, KU Leuven, Center for Molecular and Vascular Biology).